The following is an entry in ClinVar:

ClinVar aggregate classification (germline): Uncertain significance (1 of 4 stars; one submission).

Conditions:
Hereditary cancer-predisposing syndrome. Also called: Neoplastic Syndromes, Hereditary; Hereditary Cancer Syndrome; Hereditary neoplastic syndrome; Tumor predisposition. Identifiers: Orphanet 140162, MedGen C0027672, MeSH D009386, MONDO:0015356.

Submission:

Ambry Genetics
Classification: Uncertain significance for Hereditary cancer-predisposing syndrome. Last evaluated: 2023-06-11. Review status: criteria provided, single submitter. Criteria: Ambry Variant Classification Scheme 2023. Collection method: clinical testing. Allele origin: germline.
Comment: The p.T1112A variant (also known as c.3334A>G), located in coding exon 24 of the MSH3 gene, results from an A to G substitution at nucleotide position 3334. The threonine at codon 1112 is replaced by alanine, an amino acid with similar properties. This amino acid position is conserved. In addition, this alteration is predicted to be tolerated by in silico analysis. Since supporting evidence is limited at this time, the clinical significance of this alteration remains unclear.

NM_002439.5(MSH3):c.3334A>G (p.Thr1112Ala)

Gene: MSH3 (mutS homolog 3; plus strand). Cytogenetic location: 5q14.1.
Variant type: single nucleotide variant.
Coding change: c.3334A>G on transcript NM_002439.5 (MANE Select); coding-DNA position 3334, A replaced by G.
Protein change: p.Thr1112Ala; replaces threonine 1112 with alanine.
Molecular consequence: missense variant.
Genome position (GRCh38, 1-based): chr5:80,875,782, A>G. VCF-style: chr5-80875782-A-G. GRCh37 (hg19) VCF-style: chr5-80171601-A-G.
Other names: short protein forms T1112A.
Identifiers: ClinVar variation 2565688 (VCV002565688.2), dbSNP rs2478808818, ClinGen allele CA360347335.